The following is an entry in ClinVar:

NM_032977.4(CASP10):c.385G>A (p.Glu129Lys)

Gene: CASP10 (caspase 10; plus strand). Cytogenetic location: 2q33.1.
Variant type: single nucleotide variant.
Coding change: c.385G>A on transcript NM_032977.4 (MANE Select); coding-DNA position 385, G replaced by A.
Protein change: p.Glu129Lys; replaces glutamic acid 129 with lysine.
Molecular consequence: missense variant.
Genome position (GRCh38, 1-based): chr2:201,187,743, G>A. VCF-style: chr2-201187743-G-A. GRCh37 (hg19) VCF-style: chr2-202052466-G-A.
Other names: c.385G>A, p.Glu129Lys (NM_001206524.2, NM_001206542.2, NM_001230.5 and 3 more transcripts); short protein forms E129K.
Identifiers: ClinVar variation 1063707 (VCV001063707.11), dbSNP rs2126008482, ClinGen allele CA350278200.

ClinVar aggregate classification (germline): Uncertain significance (1 of 4 stars; one submission).

Conditions:
Autoimmune lymphoproliferative syndrome type 2A (ALPS2A). Also called: CASP10-Related Autoimmune Lymphoproliferative Syndrome; AUTOIMMUNE LYMPHOPROLIFERATIVE SYNDROME, TYPE IIA; Autoimmune lymphoproliferative syndrome type 2. Identifiers: Orphanet 3261, MedGen C1858968, MONDO:0011383, OMIM 603909.

Allele frequency attached by ClinVar (database versions not stated): gnomAD exomes below 0.00001.

Submission:

Labcorp Genetics (formerly Invitae), Labcorp
Classification: Uncertain significance for Autoimmune lymphoproliferative syndrome type 2A. Last evaluated: 2023-07-07. Review status: criteria provided, single submitter. Criteria: Invitae Variant Classification Sherloc (09022015). Collection method: clinical testing. Allele origin: germline.
Comment: This sequence change replaces glutamic acid, which is acidic and polar, with lysine, which is basic and polar, at codon 129 of the CASP10 protein (p.Glu129Lys). This variant is not present in population databases (gnomAD no frequency). This variant has not been reported in the literature in individuals affected with CASP10-related conditions. ClinVar contains an entry for this variant (Variation ID: 1063707). Advanced modeling of protein sequence and biophysical properties (such as structural, functional, and spatial information, amino acid conservation, physicochemical variation, residue mobility, and thermodynamic stability) performed at Invitae indicates that this missense variant is not expected to disrupt CASP10 protein function. In summary, the available evidence is currently insufficient to determine the role of this variant in disease. Therefore, it has been classified as a Variant of Uncertain Significance.